The following is an entry in ClinVar:

ClinVar aggregate classification (germline): Uncertain significance (1 of 4 stars; one submission).

Submission:

Labcorp Genetics (formerly Invitae), Labcorp
Classification: Uncertain significance. Last evaluated: 2022-10-24. Review status: criteria provided, single submitter. Criteria: Invitae Variant Classification Sherloc (09022015). Collection method: clinical testing. Allele origin: germline.
Comment: A copy number gain of the genomic region encompassing the full coding sequence of the PDYN gene has been identified. The boundaries of this event are unknown as they extend beyond the assayed region for this gene and therefore may encompass additional genes. As the precise location of this event is unknown, it may be in tandem or it may be located elsewhere in the genome. This variant has not been reported in the literature in individuals affected with PDYN-related conditions. In summary, the available evidence is currently insufficient to determine the role of this variant in disease. Therefore, it has been classified as a Variant of Uncertain Significance.

NC_000020.10:g.(?_1959939)_(1963730_?)dup

Gene: PDYN (prodynorphin; minus strand). Cytogenetic location: 20p13.
Variant type: Duplication.
Identifiers: ClinVar variation 2426818 (VCV002426818.3).